The following is an entry in ClinVar:

NM_001042492.3(NF1):c.713_714insCCCAGCACTTTGGGAGGCCGAGGCGGGCGGATCACGAGGTCAGGAGATCGAGACCATCCCGGCTAAAACGGTGANNNNNNNNNNAAAAAAAAAAAAAAAAAAAAAAAACTGTACCAGATCCC (p.Gln239fs)

Gene: NF1 (neurofibromin 1; plus strand). Cytogenetic location: 17q11.2.
Variant type: Microsatellite.
Coding change: c.713_714insCCCAGCACTTTGGGAGGCCGAGGCGGGCGGATCACGAGGTCAGGAGATCGAGACCATCCCGGCTAAAACGGTGANNNNNNNNNNAAAAAAAAAAAAAAAAAAAAAAAACTGTACCAGATCCC on transcript NM_001042492.3 (MANE Select); coding-DNA positions 713 to 714, CCCAGCACTTTGGGAGGCCGAGGCGGGCGGATCACGAGGTCAGGAGATCGAGACCATCCCGGCTAAAACGGTGANNNNNNNNNNAAAAAAAAAAAAAAAAAAAAAAAACTGTACCAGATCCC inserted.
Protein change: p.Gln239fs; shifts the reading frame from glutamine 239.
Molecular consequence: frameshift variant.
Genome position: GRCh38: chr17:31,181,751-31,181,768. GRCh37 (hg19): chr17:29,508,769-29,508,786.
Other names: c.696_713A[4][1], p.Leu234Thrfs (NM_000267.4); c.713_714insCCCAGCACTTTGGGAGGCCGAGGCGGGCGGATCACGAGGTCAGGAGATCGAGACCATCCCGGCTAAAACGGTGANNNNNNNNNNAAAAAAAAAAAAAAAAAAAAAAAACTGTACCAGATCCC, p.Gln239fs (NM_001128147.3); short protein forms Q239fs.
Identifiers: ClinVar variation 2029538 (VCV002029538.4).

ClinVar aggregate classification (germline): Pathogenic (1 of 4 stars; one submission).

Conditions:
Neurofibromatosis, type 1 (NF1). Also called: VON RECKLINGHAUSEN DISEASE; NEUROFIBROMATOSIS, TYPE I, SOMATIC; Neurofibromatosis, type I; Peripheral type neurofibromatosis. Identifiers: Orphanet 636, MedGen C0027831, MONDO:0018975, OMIM 162200. Disease mechanism: loss of function.

Submission:

Labcorp Genetics (formerly Invitae), Labcorp
Classification: Pathogenic for Neurofibromatosis, type 1. Last evaluated: 2022-09-07. Review status: criteria provided, single submitter. Criteria: Invitae Variant Classification Sherloc (09022015). Collection method: clinical testing. Allele origin: germline.
Comment: This variant is not present in population databases (gnomAD no frequency). This sequence change inserts a large fragment of DNA, likely a transposable element, in exon 7 of the NF1 gene (c.713_714ins?), causing a frameshift at codon 239 (p.Gln239fs). The exact size and sequence of the insertion cannot be determined by the current assay. However, the insertion is expected to result in an absent or disrupted protein product. This variant has not been reported in the literature in individuals affected with NF1-related conditions. For these reasons, this variant has been classified as Pathogenic. Retrotransposon insertions including LINE1 (L1), Alu, and SVA (SINE-VNTR-Alu) have been reported to be disease-causing through disruption of either a coding region or splice site (PMID: 19763152, 20307669, 22406018) and loss-of-function variants in NF1 are known to be pathogenic (PMID: 10712197, 23913538). Algorithms developed to predict the effect of sequence changes on RNA splicing suggest that this variant may create or strengthen a splice site.

Literature cited by the submitters: PubMed 19763152; PubMed 20307669; PubMed 22406018; PubMed 10712197; PubMed 23913538.